The following is an entry in ClinVar:

NM_016343.4(CENPF):c.3617A>G (p.Tyr1206Cys)

Gene: CENPF (centromere protein F; plus strand). Cytogenetic location: 1q41.
Variant type: single nucleotide variant.
Coding change: c.3617A>G on transcript NM_016343.4 (MANE Select); coding-DNA position 3617, A replaced by G.
Protein change: p.Tyr1206Cys; replaces tyrosine 1206 with cysteine.
Molecular consequence: missense variant.
Genome position (GRCh38, 1-based): chr1:214,641,955, A>G. VCF-style: chr1-214641955-A-G. GRCh37 (hg19) VCF-style: chr1-214815298-A-G.
Other names: short protein forms Y1206C.
Identifiers: ClinVar variation 434704 (VCV000434704.58), dbSNP rs144237457, ClinGen allele CA1390429.

ClinVar aggregate classification (germline): Conflicting classifications of pathogenicity. Review status: criteria provided, conflicting classifications (1 of 4 stars). 5 submissions from 5 submitters: Uncertain significance (2); Benign (1); Likely benign (2). Last evaluated 2026-06-01.

Conditions:
Stromme syndrome (STROMS). Also called: APPLE PEEL SYNDROME WITH MICROCEPHALY AND OCULAR ANOMALIES; Ciliary dyskinesia, primary, 31; Strømme Syndrome. Identifiers: Orphanet 444069, Orphanet 506307, MedGen C1855705, MONDO:0009477, OMIM 243605.

Allele frequency attached by ClinVar (database versions not stated): 1000 Genomes Project 0.00040; 1000 Genomes Project 30x 0.00078; gnomAD 0.00181; ESP Exome Variant Server 0.00193; TOPMed 0.00235; gnomAD exomes 0.00255 and 0.00329; ExAC 0.00274.
gnomAD v4.1: 5,085 of 1,595,864 alleles (0.32%); highest among the groups gnomAD compares: Non-Finnish European, 0.37%; 10 homozygotes.

Submissions (5):

CeGaT Center for Human Genetics Tuebingen
Classification: Likely benign. Last evaluated: 2026-06-01. Review status: criteria provided, single submitter. Criteria: CeGaT Center For Human Genetics Tuebingen Variant Classification Criteria Version 2. Collection method: clinical testing. Allele origin: germline. Affected: yes. Observed: 5 variant alleles.
Comment: CENPF: BP4

Labcorp Genetics (formerly Invitae), Labcorp
Classification: Benign. Last evaluated: 2026-01-28. Review status: criteria provided, single submitter. Criteria: Invitae Variant Classification Sherloc (09022015). Collection method: clinical testing. Allele origin: germline.

Blueprint Genetics
Classification: Likely benign. Last evaluated: 2024-11-25. Review status: criteria provided, single submitter. Criteria: ACMG Guidelines, 2015. Collection method: clinical testing. Allele origin: germline.

Baylor Genetics
Classification: Uncertain significance for Stromme syndrome. Last evaluated: 2019-09-27. Review status: criteria provided, single submitter. Criteria: ACMG Guidelines, 2015. Collection method: clinical testing. Allele origin: unknown. Affected: yes.
Comment: This variant was determined to be of uncertain significance according to ACMG Guidelines, 2015 [PMID:25741868].

Genetic Services Laboratory, University of Chicago
Classification: Uncertain significance. Last evaluated: 2016-11-29. Review status: criteria provided, single submitter. Criteria: ACMG Guidelines, 2015. Collection method: clinical testing. Allele origin: germline. Affected: no.